The following is an entry in ClinVar:

NM_002439.5(MSH3):c.2335C>T (p.Arg779Cys)

Gene: MSH3 (mutS homolog 3; plus strand). Cytogenetic location: 5q14.1.
Variant type: single nucleotide variant.
Coding change: c.2335C>T on transcript NM_002439.5 (MANE Select); coding-DNA position 2335, C replaced by T.
Protein change: p.Arg779Cys; replaces arginine 779 with cysteine.
Molecular consequence: missense variant.
Genome position (GRCh38, 1-based): chr5:80,778,736, C>T. VCF-style: chr5-80778736-C-T. GRCh37 (hg19) VCF-style: chr5-80074555-C-T.
Other names: short protein forms R779C.
Identifiers: ClinVar variation 1017458 (VCV001017458.11), dbSNP rs368162490, ClinGen allele CA3328225.

ClinVar aggregate classification (germline): Uncertain significance. Review status: criteria provided, multiple submitters, no conflicts (2 of 4 stars). 3 submissions from 3 submitters: Uncertain significance (3). Last evaluated 2025-12-28.

Conditions:
Hereditary cancer-predisposing syndrome. Also called: Tumor predisposition; Neoplastic Syndromes, Hereditary; Hereditary neoplastic syndrome; Hereditary Cancer Syndrome. Identifiers: Orphanet 140162, MedGen C0027672, MeSH D009386, MONDO:0015356.
Endometrial carcinoma. Also called: Endometrial carcinoma, somatic. Identifiers: MedGen C0476089, MONDO:0002447, OMIM 608089, HP:0012114.

Allele frequency attached by ClinVar (database versions not stated): TOPMed 0.00002; ESP Exome Variant Server 0.00015.
gnomAD v4.1: 11 of 1,608,486 alleles (0.00068%); highest among the groups gnomAD compares: South Asian, 0.0011%; no homozygotes.

Submissions (3):

Labcorp Genetics (formerly Invitae), Labcorp
Classification: Uncertain significance. Last evaluated: 2025-12-28. Review status: criteria provided, single submitter. Criteria: Invitae Variant Classification Sherloc (09022015). Collection method: clinical testing. Allele origin: germline.
Comment: This sequence change replaces arginine, which is basic and polar, with cysteine, which is neutral and slightly polar, at codon 779 of the MSH3 protein (p.Arg779Cys). This variant is present in population databases (rs368162490, gnomAD 0.0009%). This variant has not been reported in the literature in individuals affected with MSH3-related conditions. ClinVar contains an entry for this variant (Variation ID: 1017458). An algorithm developed to predict the effect of missense changes on protein structure and function (PolyPhen-2) suggests that this variant is likely to be disruptive. In summary, the available evidence is currently insufficient to determine the role of this variant in disease. Therefore, it has been classified as a Variant of Uncertain Significance.

Ambry Genetics
Classification: Uncertain significance for Hereditary cancer-predisposing syndrome. Last evaluated: 2025-07-07. Review status: criteria provided, single submitter. Criteria: Ambry Variant Classification Scheme 2023. Collection method: clinical testing. Allele origin: germline.
Comment: The p.R779C variant (also known as c.2335C>T), located in coding exon 17 of the MSH3 gene, results from a C to T substitution at nucleotide position 2335. The arginine at codon 779 is replaced by cysteine, an amino acid with highly dissimilar properties. This amino acid position is highly conserved in available vertebrate species. In addition, this alteration is predicted to be deleterious by in silico analysis. Since supporting evidence is limited at this time, the clinical significance of this alteration remains unclear.

Baylor Genetics
Classification: Uncertain significance for Endometrial carcinoma. Last evaluated: 2024-01-21. Review status: criteria provided, single submitter. Criteria: ACMG Guidelines, 2015. Collection method: clinical testing. Allele origin: unknown.